The following is an entry in ClinVar:

NM_001032283.3(TMPO):c.197C>T (p.Ser66Phe)

Genes: TMPO (thymopoietin; plus strand), TMPO-AS1 (TMPO antisense RNA 1; minus strand). Cytogenetic location: 12q23.1.
Variant type: single nucleotide variant.
Coding change: c.197C>T on transcript NM_001032283.3 (MANE Select); coding-DNA position 197, C replaced by T.
Protein change: p.Ser66Phe; replaces serine 66 with phenylalanine.
Molecular consequence: missense variant. On other transcripts: non-coding transcript variant (1).
Genome position (GRCh38, 1-based): chr12:98,516,064, C>T. VCF-style: chr12-98516064-C-T. GRCh37 (hg19) VCF-style: chr12-98909842-C-T.
Other names: c.197C>T, p.Ser66Phe (NM_001032284.3, NM_001307975.2, NM_003276.2); short protein forms S66F.
Identifiers: ClinVar variation 3716376 (VCV003716376.2).

ClinVar aggregate classification (germline): Uncertain significance (1 of 4 stars; one submission).

Conditions:
Loeys-Dietz syndrome 2 (LDS2). Also called: TGFBR2-Related Loeys-Dietz Syndrome; AORTIC ANEURYSM, FAMILIAL THORACIC 3; Marfan Syndrome type 2; Marfan like connective tissue disorder; MFS 2; Marfan syndrome, type 2 (formerly). Identifiers: Orphanet 284973, Orphanet 558, MedGen C2674574, MONDO:0012427, OMIM 610168.

Submission:

Labcorp Genetics (formerly Invitae), Labcorp
Classification: Uncertain significance for Loeys-Dietz syndrome 2. Last evaluated: 2024-06-17. Review status: criteria provided, single submitter. Criteria: Invitae Variant Classification Sherloc (09022015). Collection method: clinical testing. Allele origin: germline.
Comment: This sequence change replaces serine, which is neutral and polar, with phenylalanine, which is neutral and non-polar, at codon 66 of the TMPO protein (p.Ser66Phe). This variant is not present in population databases (gnomAD no frequency). This variant has not been reported in the literature in individuals affected with TMPO-related conditions. An algorithm developed to predict the effect of missense changes on protein structure and function (PolyPhen-2) suggests that this variant is likely to be disruptive. In summary, the available evidence is currently insufficient to determine the role of this variant in disease. Therefore, it has been classified as a Variant of Uncertain Significance.